The following is an entry in ClinVar:

NM_000238.4(KCNH2):c.3296C>T (p.Pro1099Leu)

Gene: KCNH2 (potassium voltage-gated channel subfamily H member 2; minus strand). Cytogenetic location: 7q36.1.
Variant type: single nucleotide variant.
Coding change: c.3296C>T on transcript NM_000238.4 (MANE Select); coding-DNA position 3296, C replaced by T.
Protein change: p.Pro1099Leu; replaces proline 1099 with leucine.
Molecular consequence: missense variant.
Genome position (GRCh38, 1-based): chr7:150,946,911, G>A on the plus strand (C>T on the coding strand, the complement: KCNH2 is on the minus strand). VCF-style: chr7-150946911-G-A. GRCh37 (hg19) VCF-style: chr7-150643999-G-A.
Other names: c.2276C>T, p.Pro759Leu (NM_172057.3); short protein forms P1099L, P759L.
Identifiers: ClinVar variation 526951 (VCV000526951.4), dbSNP rs1339742380, ClinGen allele CA369851978.

ClinVar aggregate classification (germline): Uncertain significance (1 of 4 stars; one submission).

Conditions:
Long QT syndrome (LQTS). Identifiers: MedGen C0023976, MeSH D008133, MONDO:0002442. Disease mechanism: loss of function. Inheritance: Various modes of inheritance.

Allele frequency attached by ClinVar (database versions not stated): TOPMed below 0.00001; gnomAD exomes 0.00001.
gnomAD v4.1: 10 of 1,598,942 alleles (0.00063%); highest among the groups gnomAD compares: East Asian, 0.0022%; no homozygotes.

Submission:

Labcorp Genetics (formerly Invitae), Labcorp
Classification: Uncertain significance for Long QT syndrome. Last evaluated: 2025-08-21. Review status: criteria provided, single submitter. Criteria: Invitae Variant Classification Sherloc (09022015). Collection method: clinical testing. Allele origin: germline.
Comment: This sequence change replaces proline, which is neutral and non-polar, with leucine, which is neutral and non-polar, at codon 1099 of the KCNH2 protein (p.Pro1099Leu). This variant is present in population databases (no rsID available, gnomAD 0.006%). This variant has not been reported in the literature in individuals affected with KCNH2-related conditions. ClinVar contains an entry for this variant (Variation ID: 526951). An algorithm developed to predict the effect of missense changes on protein structure and function (PolyPhen-2) suggests that this variant is likely to be disruptive. In summary, the available evidence is currently insufficient to determine the role of this variant in disease. Therefore, it has been classified as a Variant of Uncertain Significance.